The following is an entry in ClinVar:

ClinVar aggregate classification (germline): Conflicting classifications of pathogenicity. Review status: criteria provided, conflicting classifications (1 of 4 stars). 2 submissions from 2 submitters: Uncertain significance (1); Likely benign (1). Last evaluated 2025-01-18.

Allele frequency attached by ClinVar (database versions not stated): gnomAD exomes below 0.00001; gnomAD 0.00001; TOPMed 0.00002.
gnomAD v4.1: 2 of 1,598,488 alleles (0.00013%); highest among the groups gnomAD compares: African/African-American, 0.0027%; no homozygotes.

Submissions (2):

Ambry Genetics
Classification: Likely benign. Last evaluated: 2025-01-18. Review status: criteria provided, single submitter. Criteria: Ambry Variant Classification Scheme 2023. Collection method: clinical testing. Allele origin: germline.

Labcorp Genetics (formerly Invitae), Labcorp
Classification: Uncertain significance. Last evaluated: 2021-09-27. Review status: criteria provided, single submitter. Criteria: Invitae Variant Classification Sherloc (09022015). Collection method: clinical testing. Allele origin: germline.
Comment: In summary, the available evidence is currently insufficient to determine the role of this variant in disease. Therefore, it has been classified as a Variant of Uncertain Significance. Algorithms developed to predict the effect of missense changes on protein structure and function output the following: SIFT: "Not Available"; PolyPhen-2: "Benign"; Align-GVGD: "Not Available". The glycine amino acid residue is found in multiple mammalian species, which suggests that this missense change does not adversely affect protein function. This variant has not been reported in the literature in individuals affected with CEP250-related conditions. This variant is not present in population databases (ExAC no frequency). This sequence change replaces alanine with glycine at codon 1961 of the CEP250 protein (p.Ala1961Gly). The alanine residue is weakly conserved and there is a small physicochemical difference between alanine and glycine.

NM_007186.6(CEP250):c.5882C>G (p.Ala1961Gly)

Gene: CEP250 (centrosomal protein 250; plus strand). Cytogenetic location: 20q11.22.
Variant type: single nucleotide variant.
Coding change: c.5882C>G on transcript NM_007186.6 (MANE Select); coding-DNA position 5882, C replaced by G.
Protein change: p.Ala1961Gly; replaces alanine 1961 with glycine.
Molecular consequence: missense variant.
Genome position (GRCh38, 1-based): chr20:35,504,251, C>G. VCF-style: chr20-35504251-C-G. GRCh37 (hg19) VCF-style: chr20-34092079-C-G.
Other names: c.3986C>G, p.Ala1329Gly (NM_001318219.1); c.5882C>G (NM_007186.3); short protein forms A1329G, A1961G.
Identifiers: ClinVar variation 1383602 (VCV001383602.7), dbSNP rs1036530132, ClinGen allele CA314161264.